The following is an entry in ClinVar:

ClinVar aggregate classification (germline): Conflicting classifications of pathogenicity. Review status: criteria provided, conflicting classifications (1 of 4 stars). 27 submissions from 26 submitters: Uncertain significance (2); Benign (2); Likely benign (14). 9 of the submissions do not count toward it. Last evaluated 2026-07-01.

Conditions:
BRCA2-related cancer predisposition. Identifiers: MedGen CN377758, MONDO:0700269.
Hereditary cancer-predisposing syndrome. Also called: Neoplastic Syndromes, Hereditary; Tumor predisposition; Hereditary Cancer Syndrome; Hereditary neoplastic syndrome. Identifiers: Orphanet 140162, MedGen C0027672, MeSH D009386, MONDO:0015356.
Breast and/or ovarian cancer. Identifiers: MedGen CN221562.
Hereditary breast ovarian cancer syndrome. Also called: Hereditary breast and/or ovarian cancer syndrome; Hereditary breast and ovarian cancer syndrome; Hereditary breast and ovarian cancer; Hereditary breast and ovarian cancer syndrome (HBOC); Breast and ovarian cancer; BRCA1- and BRCA2-Associated Hereditary Breast and Ovarian Cancer. Identifiers: Orphanet 145, MedGen C0677776, MeSH D061325, MONDO:0003582. Disease mechanism: loss of function.
Fanconi anemia complementation group D1. Also called: BRCA2-Related Fanconi Anemia. Identifiers: Orphanet 319462, MedGen C1838457, MONDO:0011584, OMIM 605724.
Breast-ovarian cancer, familial, susceptibility to, 2 (BROVCA2). Also called: BRCA2 Hereditary Breast and Ovarian Cancer. Identifiers: Orphanet 145, MedGen C2675520, MONDO:0012933, OMIM 612555. Disease mechanism: loss of function.

Allele frequency attached by ClinVar (database versions not stated): ESP Exome Variant Server 0.00015; gnomAD exomes 0.00022 and 0.00009; ExAC 0.00008; TOPMed 0.00008; gnomAD 0.00009 and 0.00011.
gnomAD v4.1: 327 of 1,608,072 alleles (0.02%); highest among the groups gnomAD compares: Non-Finnish European, 0.027%; 1 homozygote.

Submissions 1 to 17 of 27:

CeGaT Center for Human Genetics Tuebingen
Classification: Likely benign. Last evaluated: 2026-07-01. Review status: criteria provided, single submitter. Criteria: CeGaT Center For Human Genetics Tuebingen Variant Classification Criteria Version 2. Collection method: clinical testing. Allele origin: germline. Affected: yes. Observed: 2 variant alleles.
Comment: BRCA2: BP1, BP4, BS3:Supporting

Labcorp Genetics (formerly Invitae), Labcorp
Classification: Benign for Hereditary breast ovarian cancer syndrome. Last evaluated: 2026-01-27. Review status: criteria provided, single submitter. Criteria: Invitae Variant Classification Sherloc (09022015). Collection method: clinical testing. Allele origin: germline.

Women's Health and Genetics/Laboratory Corporation of America, LabCorp
Classification: Likely benign. Last evaluated: 2025-12-19. Review status: criteria provided, single submitter. Criteria: LabCorp Variant Classification Summary - May 2015. Collection method: clinical testing. Allele origin: germline.
Comment: Variant summary: BRCA2 c.6317T>C (p.Leu2106Pro) results in a non-conservative amino acid change in the encoded protein sequence. Algorithms developed to predict the effect of missense changes on protein structure and function are either unavailable or do not agree on the potential impact of this missense change. The variant allele was found at a frequency of 9e-05 in 244764 control chromosomes, predominantly at a frequency of 0.0002 within the Non-Finnish European subpopulation in the gnomAD database. This frequency is not significantly higher than estimated for disease-causing variants in BRCA2, allowing no conclusion about variant significance. c.6317T>C has been reported in individuals affected with breast and/or ovarian cancers (e.g. Lee_2008, Borg_2010, Nguyen-Dumont_2020, Bishop_2020). These reports do not provide unequivocal conclusions about association of the variant with Hereditary Breast And Ovarian Cancer Syndrome. One co-occurrence with another pathogenic variant has been reported (BRCA2 c.6209_6212delAAAG, p.Glu2070ValfsX10; UMD database), providing supporting evidence for a benign role. In addition, this variant has been reported in 3/9884 women (FLOSSIES database) who are cancer free and older than age 70, which further supports this variant is benign. At least one functional study reports experimental evidence evaluating an impact on protein function and showed no damaging effect of this variant (Biswas_2020). The following publications have been ascertained in the context of this evaluation (PMID: 20104584, 22711857, 18824701, 21520273, 18284688, 23231788, 10882858, 22476429, 20167696, 28678401, 30541756, 32772980, 32866190, 33293522). ClinVar contains an entry for this variant (Variation ID: 52057). Based on the evidence outlined above, the variant was classified as likely benign.

Dasa
Classification: Benign for Breast-ovarian cancer, familial, susceptibility to, 2. Last evaluated: 2025-05-02. Review status: criteria provided, single submitter. Criteria: DASA Assertion Criteria. Collection method: clinical testing. Allele origin: germline.
Comment: NM_000059.4(BRCA2):c.6317T>C (p.Leu2106Pro) is a missense variant that results in the substitution of leucine with proline. Population frequency is inconsistent with a disease-causing role for this variant, and the variant context is inconsistent with a known disease-causing mechanism. Therefore, based on the currently available evidence, this variant is classified as benign.

Center for Genomic Medicine, Rigshospitalet, Copenhagen University Hospital
Classification: Likely benign. Last evaluated: 2025-03-04. Review status: criteria provided, single submitter. Criteria: ACMG Guidelines, 2015. Collection method: clinical testing. Allele origin: germline.

All of Us Research Program, National Institutes of Health
Classification: Likely benign for BRCA2-related cancer predisposition. Last evaluated: 2024-08-13. Review status: criteria provided, single submitter. Criteria: ACMG Guidelines, 2015. Collection method: clinical testing. Allele origin: germline. Inheritance: Autosomal dominant inheritance. Observed: 43 variant alleles, 43 heterozygotes.
Comment: This study involves interpretation of variants in research participants for the purpose of population health screening. Participant phenotype was not available at the time of variant classification. Additional details can be found in publication PMID: 35346344, PMCID: PMC8962531

ARUP Laboratories, Molecular Genetics and Genomics, ARUP Laboratories
Classification: Likely benign. Last evaluated: 2023-05-11. Review status: criteria provided, single submitter. Criteria: ARUP Molecular Germline Variant Investigation Process 2024. Collection method: clinical testing. Allele origin: germline.

University of Washington Department of Laboratory Medicine, University of Washington
Classification: Likely benign for Hereditary cancer-predisposing syndrome. Last evaluated: 2023-03-23. Review status: criteria provided, single submitter. Criteria: Dines et al. (Genet Med. 2020). Collection method: curation. Allele origin: germline.
Comment: Missense variant in a coldspot region where missense variants are very unlikely to be pathogenic (PMID:31911673).

BRCA2 exon 11 coldspot. Reclassification based on statistical prior probability.

CHEO Genetics Diagnostic Laboratory, Children's Hospital of Eastern Ontario
Classification: Likely benign for Breast and/or ovarian cancer. Last evaluated: 2022-09-27. Review status: criteria provided, single submitter. Criteria: ACMG Guidelines, 2015. Collection method: clinical testing. Allele origin: germline.

Sema4
Classification: Likely benign for Hereditary cancer-predisposing syndrome. Last evaluated: 2021-09-14. Review status: criteria provided, single submitter. Criteria: Sema4 Curation Guidelines. Collection method: curation. Allele origin: germline.

Genetics and Molecular Pathology, SA Pathology
Classification: Likely benign for Breast-ovarian cancer, familial, susceptibility to, 2. Last evaluated: 2021-08-02. Review status: criteria provided, single submitter. Criteria: ACMG Guidelines, 2015. Collection method: clinical testing. Allele origin: germline. Affected: yes.
Comment: The BRCA2 c.6317T>C variant is classified as Likely Benign (BP1, BP4)

Illumina Laboratory Services, Illumina
Classification: Uncertain significance for Fanconi anemia complementation group D1. Last evaluated: 2019-07-24. Review status: criteria provided, single submitter. Criteria: ICSL Variant Classification Criteria 13 December 2019. Collection method: clinical testing. Allele origin: germline.

Illumina Laboratory Services, Illumina
Classification: Uncertain significance for Breast-ovarian cancer, familial, susceptibility to, 2. Last evaluated: 2019-07-24. Review status: criteria provided, single submitter. Criteria: ICSL Variant Classification Criteria 13 December 2019. Collection method: clinical testing. Allele origin: germline.
Comment: This variant was observed as part of a predisposition screen in an ostensibly healthy population. A literature search was performed for the gene, cDNA change, and amino acid change (where applicable). Publications were found based on this search. However, the evidence from the literature, in combination with allele frequency data from public databases where available, was not sufficient to rule this variant in or out of causing disease. Therefore, this variant is classified as a variant of unknown significance.

Ambry Genetics
Classification: Likely benign for Hereditary cancer-predisposing syndrome. Last evaluated: 2019-01-22. Review status: criteria provided, single submitter. Criteria: Ambry Variant Classification Scheme 2023. Collection method: clinical testing. Allele origin: germline.

GeneDx
Classification: Likely benign. Last evaluated: 2017-12-19. Review status: criteria provided, single submitter. Criteria: GeneDx Variant Classification (06012015). Collection method: clinical testing. Allele origin: germline. Affected: yes.
Comment: This variant is considered likely benign or benign based on one or more of the following criteria: it is a conservative change, it occurs at a poorly conserved position in the protein, it is predicted to be benign by multiple in silico algorithms, and/or has population frequency not consistent with disease.

Clinical Genetics DNA and cytogenetics Diagnostics Lab, Erasmus MC, Erasmus Medical Center
Classification: Likely benign for Breast-ovarian cancer, familial, susceptibility to, 2. Last evaluated: 2017-05-31. Review status: criteria provided, single submitter. Criteria: ACGS Guidelines, 2013. Collection method: clinical testing. Allele origin: germline. Affected: yes. Study: VKGL Data-share Consensus.

Color Diagnostics, LLC DBA Color Health
Classification: Likely benign for Hereditary cancer-predisposing syndrome. Last evaluated: 2015-03-06. Review status: criteria provided, single submitter. Criteria: ACMG Guidelines, 2015. Collection method: clinical testing. Allele origin: germline.

NM_000059.4(BRCA2):c.6317T>C (p.Leu2106Pro)

Gene: BRCA2 (BRCA2 DNA repair associated; plus strand). Cytogenetic location: 13q13.1.
Variant type: single nucleotide variant.
Coding change: c.6317T>C on transcript NM_000059.4 (MANE Select); coding-DNA position 6317, T replaced by C.
Protein change: p.Leu2106Pro; replaces leucine 2106 with proline.
Molecular consequence: missense variant.
Genome position (GRCh38, 1-based): chr13:32,340,672, T>C. VCF-style: chr13-32340672-T-C. GRCh37 (hg19) VCF-style: chr13-32914809-T-C.
Other names: p.L2106P:CTT>CCT; 6545T>C; short protein forms L2106P.
Identifiers: ClinVar variation 52057 (VCV000052057.73), dbSNP rs56172926, ClinGen allele CA023867.